The following is an entry in ClinVar:

NM_000135.4(FANCA):c.921T>G (p.Leu307=)

Gene: FANCA (FA complementation group A; minus strand). Cytogenetic location: 16q24.3.
Variant type: single nucleotide variant.
Coding change: c.921T>G on transcript NM_000135.4 (MANE Select); coding-DNA position 921, T replaced by G.
Protein change: p.Leu307=; no amino-acid change (leucine 307 retained).
Molecular consequence: synonymous variant.
Genome position (GRCh38, 1-based): chr16:89,795,991, A>C on the plus strand (T>G on the coding strand, the complement: FANCA is on the minus strand). VCF-style: chr16-89795991-A-C. GRCh37 (hg19) VCF-style: chr16-89862399-A-C.
Other names: c.921T>G, p.Leu307= (NM_001286167.3).
Identifiers: ClinVar variation 2681915 (VCV002681915.1), dbSNP rs2544288551, ClinGen allele CA497194143.

ClinVar aggregate classification (germline): Uncertain significance (1 of 4 stars; one submission).

Submission:

Quest Diagnostics Nichols Institute San Juan Capistrano
Classification: Uncertain significance. Last evaluated: 2023-06-27. Review status: criteria provided, single submitter. Criteria: Quest Diagnostics criteria. Collection method: clinical testing. Allele origin: unknown.
Comment: To the best of our knowledge, this variant has not been reported in the published literature. It also has not been reported in large, multi-ethnic general populations (Genome Aggregation Database). Analysis of this variant using software algorithms for the prediction of the effect of nucleotide changes on splicing yielded predictions that this variant does not affect FANCA mRNA splicing . Based on the available information, we are unable to determine the clinical significance of this variant.